The following is an entry in ClinVar:

ClinVar aggregate classification (germline): Pathogenic (1 of 4 stars; one submission).

Conditions:
Tooth agenesis, selective, 4 (STHAG4). Also called: SUCCEDANEOUS TEETH, AGENESIS OF; TOOTH AGENESIS, SELECTIVE, 4, WITH OR WITHOUT ECTODERMAL DYSPLASIA; LATERAL INCISORS, ABSENCE OF; LATERAL INCISORS, PEGGED OR MISSING. Identifiers: Orphanet 99798, MedGen C1835492, MONDO:0007881, OMIM 150400. Disease mechanism: loss of function.
Odonto-onycho-dermal dysplasia. Identifiers: Orphanet 2721, MedGen C0796093, MONDO:0009773, OMIM 257980.

Submission:

Labcorp Genetics (formerly Invitae), Labcorp
Classification: Pathogenic for Tooth agenesis, selective, 4; Odonto-onycho-dermal dysplasia. Last evaluated: 2020-08-25. Review status: criteria provided, single submitter. Criteria: Invitae Variant Classification Sherloc (09022015). Collection method: clinical testing. Allele origin: germline.
Comment: This sequence change creates a premature translational stop signal (p.Glu168Glyfs*24) in the WNT10A gene. It is expected to result in an absent or disrupted protein product. This variant is not present in population databases (ExAC no frequency). This variant has not been reported in the literature in individuals with WNT10A-related conditions. Loss-of-function variants in WNT10A are known to be pathogenic (PMID: 17847007, 22581971, 25629078). For these reasons, this variant has been classified as Pathogenic.

Literature cited by the submitters: PubMed 17847007; PubMed 22581971; PubMed 25629078.

NM_025216.3(WNT10A):c.495_502dup (p.Glu168fs)

Gene: WNT10A (Wnt family member 10A; plus strand). Cytogenetic location: 2q35.
Variant type: Duplication.
Coding change: c.495_502dup on transcript NM_025216.3 (MANE Select); coding-DNA positions 495 to 502, 8 bases duplicated (GGACGAGG; older notation c.495_502dupGGACGAGG).
Protein change: p.Glu168fs; shifts the reading frame from glutamic acid 168.
Molecular consequence: frameshift variant.
Genome position (GRCh38, 1-based): chr2:218,890,102-218,890,109, GGACGAGG duplicated; duplicating any 8 consecutive bases within chr2:218,890,097-218,890,109 gives the same sequence; the c. name uses the placement nearest the transcript's 3' end. VCF-style (leftmost placement, unchanged base first): chr2-218890096-G-GCGAGGGGA. GRCh37 (hg19) VCF-style: chr2-219754818-G-GCGAGGGGA.
Other names: short protein forms E168fs.
Identifiers: ClinVar variation 1073272 (VCV001073272.7), dbSNP rs2106016170, ClinGen allele CA2499215664.